The following is an entry in ClinVar:

ClinVar aggregate classification (germline): Benign/Likely benign. Review status: criteria provided, multiple submitters, no conflicts (2 of 4 stars). 5 submissions from 5 submitters: Benign (2); Likely benign (2). 1 of the submissions does not count toward it. Last evaluated 2026-01-06.

Conditions:
PSEN2-related disorder. Also called: PSEN2-related condition.
Alzheimer disease 4 (AD4). Identifiers: Orphanet 1020, MedGen C1847200, MONDO:0011743, OMIM 606889.

Allele frequency attached by ClinVar (database versions not stated): gnomAD 0.00011 and 0.00015; TOPMed 0.00016; 1000 Genomes Project 30x 0.00094; 1000 Genomes Project 0.00120.
gnomAD v4.1: 109 of 1,614,238 alleles (0.0068%); highest among the groups gnomAD compares: East Asian, 0.22%; no homozygotes.

Submissions (5):

Labcorp Genetics (formerly Invitae), Labcorp
Classification: Benign for Alzheimer disease 4. Last evaluated: 2026-01-06. Review status: criteria provided, single submitter. Criteria: Invitae Variant Classification Sherloc (09022015). Collection method: clinical testing. Allele origin: germline.

PreventionGenetics, part of Exact Sciences
Classification: Likely benign for PSEN2-related condition. Last evaluated: 2025-07-15. Review status: criteria provided, single submitter. Criteria: ACMG Guidelines, 2015. Collection method: clinical testing. Allele origin: germline.
Comment: This variant is classified as likely benign based on ACMG/AMP sequence variant interpretation guidelines (Richards et al. 2015 PMID: 25741868, with internal and published modifications).

Women's Health and Genetics/Laboratory Corporation of America, LabCorp
Classification: Likely benign. Last evaluated: 2024-05-07. Review status: criteria provided, single submitter. Criteria: LabCorp Variant Classification Summary - May 2015. Collection method: clinical testing. Allele origin: germline.
Comment: Variant summary: PSEN2 c.640G>T (p.Val214Leu) results in a conservative amino acid change in the encoded protein sequence. Three of five in-silico tools predict a damaging effect of the variant on protein function. The variant allele was found at a frequency of 0.00024 in 251450 control chromosomes, predominantly at a frequency of 0.0032 within the East Asian subpopulation in the gnomAD database. c.640G>T has been reported in the literature in individuals affected with Alzheimer Disease, without strong evidence for causality (example, Koriath_2020, Liang_2023, Youn_2014 ). These report(s) do not provide unequivocal conclusions about association of the variant with Alzheimer Disease 4. To our knowledge, no experimental evidence demonstrating an impact on protein function has been reported. The following publications have been ascertained in the context of this evaluation (PMID: 30279455, 37051054, 24885952). ClinVar contains an entry for this variant (Variation ID: 1050746). Based on the evidence outlined above, the variant was classified as likely benign.

Mendelics
Classification: Benign. Last evaluated: 2022-05-04. Review status: criteria provided, single submitter. Criteria: Mendelics Assertion Criteria 2019. Collection method: clinical testing. Allele origin: germline.

Department of Pathology and Laboratory Medicine, Sinai Health System
Classification: Uncertain significance. Review status: no assertion criteria provided. Collection method: clinical testing. Allele origin: unknown. Affected: yes. Study: The Canadian Open Genetics Repository (COGR). Not counted in ClinVar's aggregate classification.
Comment: The PSEN2 p.Val214Le variant was identified in 2 of 192 proband chromosomes (frequency: 0.0104) from two individuals of Chinese Han ancestry with early-onset Alzheimerâ€šÃ„Ã´s disease (EOAD) and was not identified in 292 control chromosomes from healthy individuals (Shi_2015_PMID:25323700). One patient with EOAD had a family history of dementia and the other patient did not; it was concluded that the p.V214L variant may modify the risk for dementia (Shi_2015_PMID:25323700). The variant was not identified in ClinVar, Cosmic or LOVD 3.0 but was identified in dbSNP (ID: rs574125890) and in control databases in 73 of 282836 chromosomes at a frequency of 0.000258 (Genome Aggregation Database Feb 27, 2017). The variant was observed in the following populations: East Asian in 71 of 19950 chromosomes (freq: 0.003559) and European (non-Finnish) in 2 of 129154 chromosomes (freq: 0.000015), it was not observed in the African, Latino, Ashkenazi Jewish, European (Finnish), Other, and South Asian populations. The p.Val214 residue is conserved in mammals and computational analyses (PolyPhen-2, SIFT, AlignGVGD, BLOSUM, MutationTaster) provide inconsistent predictions regarding the impact to the protein; this information is not very predictive of pathogenicity. The variant occurs outside of the splicing consensus sequence and three of four in silico or computational prediction software programs (SpliceSiteFinder, MaxEntScan, NNSPLICE, GeneSplicer) do not predict a difference in splicing. In summary, based on the above information the clinical significance of this variant cannot be determined with certainty at this time. This variant is classified as a variant of uncertain significance.

Literature cited by the submitters: PubMed 30279455 (cited by Women's Health and Genetics/Laboratory Corporation of America, LabCorp); PubMed 37051054 (cited by Women's Health and Genetics/Laboratory Corporation of America, LabCorp); PubMed 24885952 (cited by Women's Health and Genetics/Laboratory Corporation of America, LabCorp).

NM_000447.3(PSEN2):c.640G>T (p.Val214Leu)

Gene: PSEN2 (presenilin 2; plus strand). Cytogenetic location: 1q42.13.
Variant type: single nucleotide variant.
Coding change: c.640G>T on transcript NM_000447.3 (MANE Select); coding-DNA position 640, G replaced by T.
Protein change: p.Val214Leu; replaces valine 214 with leucine.
Molecular consequence: missense variant.
Genome position (GRCh38, 1-based): chr1:226,888,902, G>T. VCF-style: chr1-226888902-G-T. GRCh37 (hg19) VCF-style: chr1-227076603-G-T.
Other names: c.640G>T, p.Val214Leu (NM_012486.3); c.640G>T (NM_000447.2); short protein forms V214L.
Identifiers: ClinVar variation 1050746 (VCV001050746.12), dbSNP rs574125890, ClinGen allele CA1424605.
Genomic context (GRCh38, chr1:226,888,902, plus strand): 5'-ACCTACAATGTGGCCATGGACTACCCCACCCTCTTGCTGACTGTCTGGAACTTCGGGGCA[G>T]TGGGCATGGTGTGCATCCACTGGAAGGGCCCTCTGGTGCTGCAGCAGGCCTACCTCATCA-3'
Protein context (NP_000438.2, residues 204-224): LLLTVWNFGA[Val214Leu]GMVCIHWKGP